The following is an entry in ClinVar:

NM_173560.4(RFX6):c.795_797del (p.Ile265del)

Gene: RFX6 (regulatory factor X6; plus strand). Cytogenetic location: 6q22.1.
Variant type: Deletion.
Coding change: c.795_797del on transcript NM_173560.4 (MANE Select); coding-DNA positions 795 to 797, 3 bases deleted (AAT; older notation c.795_797delAAT).
Protein change: p.Ile265del; deletes isoleucine 265.
Molecular consequence: inframe deletion.
Genome position (GRCh38, 1-based): chr6:116,916,022-116,916,024, AAT deleted; deleting any 3 consecutive bases within chr6:116,916,020-116,916,024 gives the same sequence; the c. name uses the placement nearest the transcript's 3' end. VCF-style (leftmost placement, unchanged base first): chr6-116916019-CATA-C. GRCh37 (hg19) VCF-style: chr6-117237182-CATA-C.
Other names: short protein forms I265del.
Identifiers: ClinVar variation 4536546 (VCV004536546.1).

ClinVar aggregate classification (germline): Uncertain significance (1 of 4 stars; one submission).

Submission:

GeneDx
Classification: Uncertain significance. Last evaluated: 2025-06-02. Review status: criteria provided, single submitter. Criteria: GeneDx Variant Classification Process June 2021. Collection method: clinical testing. Allele origin: germline. Affected: yes.
Comment: Not observed at significant frequency in large population cohorts (gnomAD); In-frame deletion of 1 amino acid(s) in a non-repeat region; In silico analysis supports a deleterious effect on protein structure/function; Has not been previously published as pathogenic or benign to our knowledge